The following is an entry in ClinVar:

NM_004415.4(DSP):c.1204A>G (p.Lys402Glu)

Gene: DSP (desmoplakin; plus strand). Cytogenetic location: 6p24.3.
Variant type: single nucleotide variant.
Coding change: c.1204A>G on transcript NM_004415.4 (MANE Select); coding-DNA position 1204, A replaced by G.
Protein change: p.Lys402Glu; replaces lysine 402 with glutamic acid.
Molecular consequence: missense variant.
Genome position (GRCh38, 1-based): chr6:7,567,844, A>G. VCF-style: chr6-7567844-A-G. GRCh37 (hg19) VCF-style: chr6-7568077-A-G.
Other names: c.1204A>G, p.Lys402Glu (NM_001008844.3, NM_001319034.2, NM_001406591.1); short protein forms K402E.
Identifiers: ClinVar variation 3075378 (VCV003075378.1), dbSNP rs2533881751, ClinGen allele CA362676126.

ClinVar aggregate classification (germline): Uncertain significance (1 of 4 stars; one submission).

Conditions:
Arrhythmogenic cardiomyopathy with wooly hair and keratoderma. Also called: PALMOPLANTAR KERATODERMA WITH LEFT VENTRICULAR CARDIOMYOPATHY AND WOOLLY HAIR; Carvajal syndrome; Dilated cardiomyopathy with woolly hair and keratoderma; Arrhythmogenic cardiomyopathy with woolly hair and keratoderma. Identifiers: Orphanet 65282, MedGen C1854063, MONDO:0011581, OMIM 605676.

Submission:

All of Us Research Program, National Institutes of Health
Classification: Uncertain significance for Arrhythmogenic cardiomyopathy with wooly hair and keratoderma. Last evaluated: 2024-01-11. Review status: criteria provided, single submitter. Criteria: ACMG Guidelines, 2015. Collection method: clinical testing. Allele origin: germline. Inheritance: Autosomal dominant inheritance. Observed: 1 variant allele, 1 heterozygote.
Comment: This study involves interpretation of variants in research participants for the purpose of population health screening. Participant phenotype was not available at the time of variant classification. Additional details can be found in publication PMID: 35346344, PMCID: PMC8962531